The following is an entry in ClinVar:

NM_001374353.1(GLI2):c.1927G>A (p.Ala643Thr)

Gene: GLI2 (GLI family zinc finger 2; plus strand). Cytogenetic location: 2q14.2.
Variant type: single nucleotide variant.
Coding change: c.1927G>A on transcript NM_001374353.1 (MANE Select); coding-DNA position 1927, G replaced by A.
Protein change: p.Ala643Thr; replaces alanine 643 with threonine.
Molecular consequence: missense variant.
Genome position (GRCh38, 1-based): chr2:120,986,299, G>A. VCF-style: chr2-120986299-G-A. GRCh37 (hg19) VCF-style: chr2-121743875-G-A.
Other names: c.1978G>A, p.Ala660Thr (NM_001371271.1, NM_005270.5); c.1552G>A, p.Ala518Thr (NM_001374354.1); short protein forms A518T, A643T, A660T.
Identifiers: ClinVar variation 4885327 (VCV004885327.2).

ClinVar aggregate classification (germline): Uncertain significance (1 of 4 stars; one submission).

gnomAD v4.1: 5 of 1,613,202 alleles (0.00031%); highest among the groups gnomAD compares: Non-Finnish European, 0.00042%; no homozygotes.

Submission:

Dasa
Classification: Uncertain significance. Last evaluated: 2025-04-23. Review status: criteria provided, single submitter. Criteria: DASA Assertion Criteria. Collection method: clinical testing. Allele origin: germline.
Comment: NM_001374353.1(GLI2):c.1927G>A (p.Ala643Thr) is a missense variant that results in the substitution of alanine with threonine. This variant is rare in population databases. Computational prediction algorithms are consistent with a benign effect. The currently available literature and clinical evidence are not sufficient to establish a definitive association between this variant and the reported condition. Therefore, this variant is classified as a variant of uncertain significance.